The following is an entry in ClinVar:

ClinVar aggregate classification (germline): Uncertain significance (1 of 4 stars; one submission).

Conditions:
Nephronophthisis 15 (NPHP15). Identifiers: Orphanet 3156, MedGen C3541853, MONDO:0013917, OMIM 614845.

Submission:

Labcorp Genetics (formerly Invitae), Labcorp
Classification: Uncertain significance for Nephronophthisis 15. Last evaluated: 2021-11-28. Review status: criteria provided, single submitter. Criteria: Invitae Variant Classification Sherloc (09022015). Collection method: clinical testing. Allele origin: germline.
Comment: In summary, the available evidence is currently insufficient to determine the role of this variant in disease. Therefore, it has been classified as a Variant of Uncertain Significance. Algorithms developed to predict the effect of missense changes on protein structure and function (SIFT, PolyPhen-2, Align-GVGD) all suggest that this variant is likely to be disruptive. This variant has not been reported in the literature in individuals affected with CEP164-related conditions. This variant is not present in population databases (gnomAD no frequency). This sequence change replaces arginine, which is basic and polar, with proline, which is neutral and non-polar, at codon 1392 of the CEP164 protein (p.Arg1392Pro).

NM_014956.5(CEP164):c.4175G>C (p.Arg1392Pro)

Gene: CEP164 (centrosomal protein 164; plus strand). Cytogenetic location: 11q23.3.
Variant type: single nucleotide variant.
Coding change: c.4175G>C on transcript NM_014956.5 (MANE Select); coding-DNA position 4175, G replaced by C.
Protein change: p.Arg1392Pro; replaces arginine 1392 with proline.
Molecular consequence: missense variant.
Genome position (GRCh38, 1-based): chr11:117,411,806, G>C. VCF-style: chr11-117411806-G-C. GRCh37 (hg19) VCF-style: chr11-117282522-G-C.
Other names: c.4160G>C, p.Arg1387Pro (NM_001271933.2); short protein forms R1392P, R1387P.
Identifiers: ClinVar variation 1435303 (VCV001435303.6), dbSNP rs772989312, ClinGen allele CA382745912.